The following is an entry in ClinVar:

NM_000142.5(FGFR3):c.1321G>A (p.Ala441Thr)

Gene: FGFR3 (fibroblast growth factor receptor 3; plus strand). Cytogenetic location: 4p16.3.
Variant type: single nucleotide variant.
Coding change: c.1321G>A on transcript NM_000142.5 (MANE Select); coding-DNA position 1321, G replaced by A.
Protein change: p.Ala441Thr; replaces alanine 441 with threonine.
Molecular consequence: missense variant. On other transcripts: non-coding transcript variant (1).
Genome position (GRCh38, 1-based): chr4:1,804,878, G>A. VCF-style: chr4-1804878-G-A. GRCh37 (hg19) VCF-style: chr4-1806605-G-A.
Other names: c.1327G>A, p.Ala443Thr (NM_001163213.2); c.1324G>A, p.Ala442Thr (NM_001354809.2, NM_001354810.2); c.985G>A, p.Ala329Thr (NM_022965.4); short protein forms A329T, A441T, A442T, A443T.
Identifiers: ClinVar variation 3346792 (VCV003346792.1).

ClinVar aggregate classification (germline): Uncertain significance (0 of 4 stars; one submission).

Conditions:
FGFR3-related disorder. Also called: FGFR3-related disorders.

gnomAD v4.1: 29 of 1,549,990 alleles (0.0019%); highest among the groups gnomAD compares: East Asian, 0.0073%; no homozygotes.

Submission:

PreventionGenetics, part of Exact Sciences
Classification: Uncertain significance for FGFR3-related condition. Last evaluated: 2024-07-11. Review status: no assertion criteria provided. Collection method: clinical testing. Allele origin: germline.
Comment: The FGFR3 c.1321G>A variant is predicted to result in the amino acid substitution p.Ala441Thr. To our knowledge, this variant has not been reported in the literature. This variant is reported in 0.0040% of alleles in individuals of Latino descent in gnomAD. At this time, the clinical significance of this variant is uncertain due to the absence of conclusive functional and genetic evidence.